The following is an entry in ClinVar:

ClinVar aggregate classification (germline): Uncertain significance (1 of 4 stars; one submission).

Submission:

GeneDx
Classification: Uncertain significance. Last evaluated: 2023-03-28. Review status: criteria provided, single submitter. Criteria: GeneDx Variant Classification Process June 2021. Collection method: clinical testing. Allele origin: germline. Affected: yes.
Comment: Not observed at significant frequency in large population cohorts (gnomAD); In silico analysis supports that this missense variant has a deleterious effect on protein structure/function; Has not been previously published as pathogenic or benign to our knowledge

NM_001270974.2(HYDIN):c.1682T>C (p.Ile561Thr)

Genes: HYDIN (HYDIN axonemal central pair apparatus protein; minus strand), LOC126862387 (BRD4-independent group 4 enhancer GRCh37_chr16:71113179-71114378; plus strand). Cytogenetic location: 16q22.2.
Variant type: single nucleotide variant.
Coding change: c.1682T>C on transcript NM_001270974.2 (MANE Select); coding-DNA position 1682, T replaced by C.
Protein change: p.Ile561Thr; replaces isoleucine 561 with threonine.
Molecular consequence: missense variant.
Genome position (GRCh38, 1-based): chr16:71,079,941, A>G on the plus strand (T>C on the coding strand, the complement: HYDIN is on the minus strand). VCF-style: chr16-71079941-A-G. GRCh37 (hg19) VCF-style: chr16-71113844-A-G.
Other names: c.1763T>C, p.Ile588Thr (NM_001198542.1); c.1733T>C, p.Ile578Thr (NM_001198543.1); c.1682T>C, p.Ile561Thr (NM_017558.5); short protein forms I561T, I578T, I588T.
Identifiers: ClinVar variation 2581926 (VCV002581926.1), dbSNP rs202040176, ClinGen allele CA283527452.